The following is an entry in ClinVar:

ClinVar aggregate classification (germline): Uncertain significance (1 of 4 stars; one submission).

Allele frequency attached by ClinVar (database versions not stated): gnomAD exomes below 0.00001.
gnomAD v4.1: 1 of 1,614,168 alleles (0.000062%); highest among the groups gnomAD compares: Admixed American, 0.0017%; no homozygotes.

Submission:

Ambry Genetics
Classification: Uncertain significance. Last evaluated: 2023-07-23. Review status: criteria provided, single submitter. Criteria: Ambry Variant Classification Scheme 2023. Collection method: clinical testing. Allele origin: germline.
Comment: The p.Q233R variant (also known as c.698A>G), located in coding exon 5 of the BUB3 gene, results from an A to G substitution at nucleotide position 698. The glutamine at codon 233 is replaced by arginine, an amino acid with highly similar properties. This amino acid position is conserved. In addition, this alteration is predicted to be tolerated by in silico analysis. Since supporting evidence is limited at this time, the clinical significance of this alteration remains unclear.

NM_004725.4(BUB3):c.698A>G (p.Gln233Arg)

Gene: BUB3 (BUB3 mitotic checkpoint protein; plus strand). Cytogenetic location: 10q26.13.
Variant type: single nucleotide variant.
Coding change: c.698A>G on transcript NM_004725.4 (MANE Select); coding-DNA position 698, A replaced by G.
Protein change: p.Gln233Arg; replaces glutamine 233 with arginine.
Molecular consequence: missense variant.
Genome position (GRCh38, 1-based): chr10:123,162,357, A>G. VCF-style: chr10-123162357-A-G. GRCh37 (hg19) VCF-style: chr10-124921873-A-G.
Other names: c.698A>G, p.Gln233Arg (NM_001007793.3); short protein forms Q233R.
Identifiers: ClinVar variation 2620499 (VCV002620499.2), dbSNP rs1309504368, ClinGen allele CA378626698.